The following is an entry in ClinVar:

NM_000155.4(GALT):c.817G>C (p.Asp273His)

Gene: GALT (galactose-1-phosphate uridylyltransferase; plus strand). Cytogenetic location: 9p13.3.
Variant type: single nucleotide variant.
Coding change: c.817G>C on transcript NM_000155.4 (MANE Select); coding-DNA position 817, G replaced by C.
Protein change: p.Asp273His; replaces aspartic acid 273 with histidine.
Molecular consequence: missense variant.
Genome position (GRCh38, 1-based): chr9:34,648,891, G>C. VCF-style: chr9-34648891-G-C. GRCh37 (hg19) VCF-style: chr9-34648888-G-C.
Other names: c.490G>C, p.Asp164His (NM_001258332.2); short protein forms D273H, D164H.
Identifiers: ClinVar variation 280990 (VCV000280990.6), dbSNP rs886042071, ClinGen allele CA10603772.

ClinVar aggregate classification (germline): Uncertain significance. Review status: criteria provided, multiple submitters, no conflicts (2 of 4 stars). 2 submissions from 2 submitters: Uncertain significance (2). Last evaluated 2025-12-03.

Conditions:
Deficiency of UDPglucose-hexose-1-phosphate uridylyltransferase. Also called: GALACTOSE-1-PHOSPHATE URIDYLYLTRANSFERASE DEFICIENCY; GALT deficiency; Galactosemia, classic; GALACTOSEMIA I; Transferase Deficiency Galactosemia. Identifiers: Orphanet 352, Orphanet 79239, MedGen C0268151, MONDO:0009258, OMIM 230400.

Allele frequency attached by ClinVar (database versions not stated): gnomAD exomes below 0.00001.
gnomAD v4.1: 1 of 1,613,414 alleles (0.000062%); highest among the groups gnomAD compares: Non-Finnish European, 0.000085%; no homozygotes.

Submissions (2):

Myriad Genetics, Inc.
Classification: Uncertain significance for Deficiency of UDPglucose-hexose-1-phosphate uridylyltransferase. Last evaluated: 2025-12-03. Review status: criteria provided, single submitter. Criteria: Myriad Autosomal Dominant, Autosomal Recessive and X-Linked Classification Criteria (2023). Collection method: clinical testing. Allele origin: unknown.
Comment: NM_000155.3(GALT):c.817G>C(D273H) is a missense variant classified as a variant of uncertain significance in the context of galactosemia. D273H has been observed in a case with relevant disease (PMID: 19224951). Relevant functional assessments of this variant are not available in the literature. D273H has not been observed in referenced population frequency databases. In summary, there is insufficient evidence to classify NM_000155.3(GALT):c.817G>C(D273H) as pathogenic or benign. Please note: this variant was assessed in the context of healthy population screening.

Eurofins Ntd Llc (ga)
Classification: Uncertain significance. Last evaluated: 2015-09-29. Review status: criteria provided, single submitter. Criteria: EGL Classification Definitions 2015. Collection method: clinical testing. Allele origin: germline. Observed: 1 variant allele, 1 heterozygote.

Literature cited by the submitters: PubMed 19224951 (cited by Myriad Genetics, Inc.).